The following is an entry in ClinVar:

NM_004525.3(LRP2):c.2247C>T (p.Asp749=)

Gene: LRP2 (LDL receptor related protein 2; minus strand). Cytogenetic location: 2q31.1.
Variant type: single nucleotide variant.
Coding change: c.2247C>T on transcript NM_004525.3 (MANE Select); coding-DNA position 2247, C replaced by T.
Protein change: p.Asp749=; no amino-acid change (aspartic acid 749 retained).
Molecular consequence: synonymous variant.
Genome position (GRCh38, 1-based): chr2:169,270,977, G>A on the plus strand (C>T on the coding strand, the complement: LRP2 is on the minus strand). VCF-style: chr2-169270977-G-A. GRCh37 (hg19) VCF-style: chr2-170127487-G-A.
Other names: c.2247C>T (NM_004525.2).
Identifiers: ClinVar variation 1558710 (VCV001558710.10), dbSNP rs562363182, ClinGen allele CA1955346.

ClinVar aggregate classification (germline): Likely benign. Review status: criteria provided, multiple submitters, no conflicts (2 of 4 stars). 3 submissions from 3 submitters: Likely benign (3). Last evaluated 2026-02-12.

Conditions:
LRP2-related disorder. Also called: LRP2-related condition.

Allele frequency attached by ClinVar (database versions not stated): TOPMed 0.00005; gnomAD 0.00006 and 0.00007; gnomAD exomes 0.00006 and 0.00011; 1000 Genomes Project 30x 0.00016; 1000 Genomes Project 0.00020; ExAC 0.00008.
gnomAD v4.1: 102 of 1,613,188 alleles (0.0063%); highest among the groups gnomAD compares: East Asian, 0.069%; no homozygotes.

Submissions (3):

PreventionGenetics, part of Exact Sciences
Classification: Likely benign for LRP2-related condition. Last evaluated: 2026-02-12. Review status: criteria provided, single submitter. Criteria: ACMG Guidelines, 2015. Collection method: clinical testing. Allele origin: germline.
Comment: This variant is classified as likely benign based on ACMG/AMP sequence variant interpretation guidelines (Richards et al. 2015 PMID: 25741868, with internal and published modifications).

Labcorp Genetics (formerly Invitae), Labcorp
Classification: Likely benign. Last evaluated: 2026-01-11. Review status: criteria provided, single submitter. Criteria: Invitae Variant Classification Sherloc (09022015). Collection method: clinical testing. Allele origin: germline.

Blueprint Genetics
Classification: Likely benign. Last evaluated: 2023-10-09. Review status: criteria provided, single submitter. Criteria: ACMG Guidelines, 2015. Collection method: clinical testing. Allele origin: germline.